The following is an entry in ClinVar:

NM_014363.6(SACS):c.9190G>T (p.Glu3064Ter)

Gene: SACS (sacsin molecular chaperone; minus strand). Cytogenetic location: 13q12.12.
Variant type: single nucleotide variant.
Coding change: c.9190G>T on transcript NM_014363.6 (MANE Select); coding-DNA position 9190, G replaced by T.
Protein change: p.Glu3064Ter; replaces glutamic acid 3064 with a stop codon.
Molecular consequence: nonsense.
Genome position (GRCh38, 1-based): chr13:23,334,686, C>A on the plus strand (G>T on the coding strand, the complement: SACS is on the minus strand). VCF-style: chr13-23334686-C-A. GRCh37 (hg19) VCF-style: chr13-23908825-C-A.
Other names: c.8749G>T, p.Glu2917Ter (NM_001278055.2); c.9217G>T, p.Glu3073Ter (NM_001437336.1); short protein forms E3064*, E2917*, E3073*.
Identifiers: ClinVar variation 5004137 (VCV005004137.1).

ClinVar aggregate classification (germline): Pathogenic (1 of 4 stars; one submission).

Conditions:
Charlevoix-Saguenay spastic ataxia (SACS). Also called: SPASTIC ATAXIA 6, AUTOSOMAL RECESSIVE; AUTOSOMAL RECESSIVE SPASTIC ATAXIA OF CHARLEVOIX-SAGUENAY; Spastic ataxia of Charlevoix-Saguenay. Identifiers: Orphanet 98, MedGen C1849140, MONDO:0010041, OMIM 270550.

gnomAD v4.1: 1 of 1,613,666 alleles (0.000062%); highest among the groups gnomAD compares: Non-Finnish European, 0.000085%; no homozygotes.

Submission:

Myriad Genetics, Inc.
Classification: Pathogenic for Charlevoix-Saguenay spastic ataxia. Last evaluated: 2025-08-26. Review status: criteria provided, single submitter. Criteria: Myriad Autosomal Dominant, Autosomal Recessive and X-Linked Classification Criteria (2023). Collection method: clinical testing. Allele origin: unknown.
Comment: NM_014363.4(SACS):c.9190G>T(E3064*) is a nonsense variant classified as pathogenic in the context of autosomal recessive spastic ataxia of Charlevoix-Saguenay. E3064* has not been observed in cases with relevant disease. Relevant functional assessments of this variant are not available in the literature. E3064* has not been observed in referenced population frequency databases. In summary, NM_014363.4(SACS):c.9190G>T(E3064*) is a nonsense variant in a gene where loss of function is a known mechanism of disease and is predicted to disrupt protein function. Please note: this variant was assessed in the context of healthy population screening.